The following is an entry in ClinVar:

NM_007294.4(BRCA1):c.174T>C (p.Pro58=)

Gene: BRCA1 (BRCA1 DNA repair associated; minus strand). Cytogenetic location: 17q21.31.
Variant type: single nucleotide variant.
Coding change: c.174T>C on transcript NM_007294.4 (MANE Select); coding-DNA position 174, T replaced by C.
Protein change: p.Pro58=; no amino-acid change (proline 58 retained).
Molecular consequence: synonymous variant. On other transcripts: 5 prime UTR variant (61), intron variant (34).
Genome position (GRCh38, 1-based): chr17:43,106,494, A>G on the plus strand (T>C on the coding strand, the complement: BRCA1 is on the minus strand). VCF-style: chr17-43106494-A-G. GRCh37 (hg19) VCF-style: chr17-41258511-A-G.
Other names: c.33T>C, p.Pro11= (NM_001407734.1, NM_001407735.1, NM_001407736.1 and 99 more transcripts); c.-15T>C (NM_001407853.1, NM_001407879.1, NM_001407881.1 and 58 more transcripts); c.174T>C, p.Pro58= (NM_001407854.1, NM_001407858.1, NM_001407859.1 and 168 more transcripts); c.-218-11634T>C (NM_001407967.1, NM_001407966.1); c.-169-1538T>C (NM_001407959.1, NM_001407962.1, NM_001408512.1 and 4 more transcripts); c.81-1538T>C (NM_001408451.1); c.135-1538T>C (NM_001408475.1, NM_001407875.1, NM_001407659.1 and 21 more transcripts).
Identifiers: ClinVar variation 868246 (VCV000868246.3), dbSNP rs2054783548, ClinGen allele CA500128158.

Conditions:
Breast-ovarian cancer, familial, susceptibility to, 1 (BROVCA1). Also called: BRCA1 Hereditary Breast and Ovarian Cancer; OVARIAN CANCER, SUSCEPTIBILITY TO. Identifiers: Orphanet 145, MedGen C2676676, MONDO:0011450, OMIM 604370. Disease mechanism: loss of function.

Submission:

Brotman Baty Institute, University of Washington
No classification provided (evidence only). Condition: Breast-ovarian cancer, familial 1. Review status: no classification provided. Collection method: in vitro. Allele origin: not applicable. Functional consequence: functionally_normal.
ClinVar note: "not provided" was previously submitted as the classification for the variant. However, the classification appeared to be based only on an observation of functional data so it was converted to no classification on 2025-07-30.